The following is an entry in ClinVar:

NC_000001.11:g.170532163A>C

Genes: GORAB (golgin, RAB6 interacting; plus strand), GORAB-AS1 (GORAB antisense RNA 1; minus strand). Cytogenetic location: 1q24.2.
Variant type: single nucleotide variant.
Genome position: GRCh38 VCF-style: chr1-170532163-A-C. GRCh37 (hg19) VCF-style: chr1-170501304-A-C.
Identifiers: ClinVar variation 1605426 (VCV001605426.8), dbSNP rs1226931363, ClinGen allele CA421744853.
Genomic context (GRCh38, chr1:170,532,163, plus strand): 5'-TTTGGAGCCCGATGCACTGATTGGCCGCGGCCGGGGAAAAACCCGGATGAGCTGGGCAGC[A>C]GTGTTGGCAGTCGCGGCTGCGAGATTTGGGCACTTTTGGGGGTGCCGGTGGCCCGGGCCG-3'

ClinVar aggregate classification (germline): Likely benign. Review status: criteria provided, single submitter (1 of 4 stars). 2 submissions from 2 submitters: Likely benign (1). 1 of the submissions does not count toward it. Last evaluated 2024-04-15.

Conditions:
GORAB-related disorder. Also called: GORAB-related condition.

Allele frequency attached by ClinVar (database versions not stated): gnomAD exomes below 0.00001.

Submissions (2):

Labcorp Genetics (formerly Invitae), Labcorp
Classification: Likely benign. Last evaluated: 2024-04-15. Review status: criteria provided, single submitter. Criteria: Invitae Variant Classification Sherloc (09022015). Collection method: clinical testing. Allele origin: germline.

PreventionGenetics, part of Exact Sciences
Classification: Likely benign for GORAB-related condition. Last evaluated: 2019-06-14. Review status: no assertion criteria provided. Collection method: clinical testing. Allele origin: germline. Not counted in ClinVar's aggregate classification.
Comment: This variant is classified as likely benign based on ACMG/AMP sequence variant interpretation guidelines (Richards et al. 2015 PMID: 25741868, with internal and published modifications).